The following is an entry in ClinVar:

ClinVar aggregate classification (germline): Uncertain significance. Review status: criteria provided, single submitter (1 of 4 stars). 2 submissions from 2 submitters: Uncertain significance (1). 1 of the submissions does not count toward it. Last evaluated 2018-10-15.

Conditions:
Autosomal recessive severe congenital neutropenia due to CSF3R deficiency. Also called: Neutropenia, severe congenital, 7, autosomal recessive. Identifiers: Orphanet 420702, MedGen C4310764, MONDO:0014865, OMIM 617014.
CSF3R-related disorder. Also called: CSF3R-related condition.

Allele frequency attached by ClinVar (database versions not stated): ExAC 0.00001; gnomAD exomes 0.00001 and 0.00005.
gnomAD v4.1: 67 of 1,614,120 alleles (0.0042%); highest among the groups gnomAD compares: Non-Finnish European, 0.0056%; no homozygotes.

Submissions (2):

Baylor Genetics
Classification: Uncertain significance for Autosomal recessive severe congenital neutropenia due to CSF3R deficiency. Last evaluated: 2018-10-15. Review status: criteria provided, single submitter. Criteria: ACMG Guidelines, 2015. Collection method: clinical testing. Allele origin: maternal. Affected: yes.
Comment: This variant was determined to be of uncertain significance according to ACMG Guidelines, 2015 [PMID:25741868].

PreventionGenetics, part of Exact Sciences
Classification: Uncertain significance for CSF3R-related condition. Last evaluated: 2024-07-17. Review status: no assertion criteria provided. Collection method: clinical testing. Allele origin: germline. Not counted in ClinVar's aggregate classification.
Comment: The CSF3R c.2252G>A variant is predicted to result in the amino acid substitution p.Gly751Glu. To our knowledge, this variant has not been reported in the literature. This variant is reported in 0.0018% of alleles in individuals of European (Non-Finnish) descent in gnomAD. At this time, the clinical significance of this variant is uncertain due to the absence of conclusive functional and genetic evidence.

NM_000760.4(CSF3R):c.*161G>A

Gene: CSF3R (colony stimulating factor 3 receptor; minus strand). Cytogenetic location: 1p34.3.
Variant type: single nucleotide variant.
Coding change: c.*161G>A on transcript NM_000760.4 (MANE Select); 161 bases downstream of the stop codon, G replaced by A.
Molecular consequence: 3 prime UTR variant. On other transcripts: missense variant (1).
Genome position (GRCh38, 1-based): chr1:36,466,196, C>T on the plus strand (G>A on the coding strand, the complement: CSF3R is on the minus strand). VCF-style: chr1-36466196-C-T. GRCh37 (hg19) VCF-style: chr1-36931797-C-T.
Other names: c.*161G>A (NM_156039.3); c.2252G>A, p.Gly751Glu (NM_172313.3); c.2252G>A (NM_172313.2); short protein forms G751E.
Identifiers: ClinVar variation 1033121 (VCV001033121.2), dbSNP rs772443391, ClinGen allele CA768863.